The following is an entry in ClinVar:

NM_005633.4(SOS1):c.675T>G (p.Val225=)

Gene: SOS1 (SOS Ras/Rac guanine nucleotide exchange factor 1; minus strand). Cytogenetic location: 2p22.1.
Variant type: single nucleotide variant.
Coding change: c.675T>G on transcript NM_005633.4 (MANE Select); coding-DNA position 675, T replaced by G.
Protein change: p.Val225=; no amino-acid change (valine 225 retained).
Molecular consequence: synonymous variant.
Genome position (GRCh38, 1-based): chr2:39,054,659, A>C on the plus strand (T>G on the coding strand, the complement: SOS1 is on the minus strand). VCF-style: chr2-39054659-A-C. GRCh37 (hg19) VCF-style: chr2-39281800-A-C.
Other names: c.654T>G, p.Val218= (NM_001382394.1); c.675T>G, p.Val225= (NM_001382395.1).
Identifiers: ClinVar variation 416921 (VCV000416921.24), dbSNP rs371482290, ClinGen allele CA1624749.

ClinVar aggregate classification (germline): Conflicting classifications of pathogenicity. Review status: criteria provided, conflicting classifications (1 of 4 stars). 8 submissions from 7 submitters: Uncertain significance (2); Likely benign (6). Last evaluated 2026-04-01.

Conditions:
Cardiovascular phenotype. Identifiers: MedGen CN230736.
RASopathy. Also called: Noonan spectrum disorder; rasopathies. Identifiers: Orphanet 536391, MedGen C5555857, MONDO:0021060.
Fibromatosis, gingival, 1 (GINGF1). Identifiers: Orphanet 2024, MedGen C4551558, MONDO:0007609, OMIM 135300.
Noonan syndrome 4 (NS4). Also called: SOS1-Related Noonan Syndrome; NOONAN SYNDROME WITH PIGMENTED VILLONODULAR SYNOVITIS. Identifiers: Orphanet 648, MedGen C1853120, MONDO:0012547, OMIM 610733.

Allele frequency attached by ClinVar (database versions not stated): gnomAD 0.00001; TOPMed 0.00002; ExAC 0.00003; gnomAD exomes 0.00003; ESP Exome Variant Server 0.00008.
gnomAD v4.1: 46 of 1,595,124 alleles (0.0029%); highest among the groups gnomAD compares: Non-Finnish European, 0.003%; no homozygotes.

Submissions (8):

CeGaT Center for Human Genetics Tuebingen
Classification: Likely benign. Last evaluated: 2026-04-01. Review status: criteria provided, single submitter. Criteria: CeGaT Center For Human Genetics Tuebingen Variant Classification Criteria Version 2. Collection method: clinical testing. Allele origin: germline. Affected: yes. Observed: 1 variant allele.
Comment: SOS1: BP4, BP7

Labcorp Genetics (formerly Invitae), Labcorp
Classification: Likely benign for RASopathy. Last evaluated: 2026-01-26. Review status: criteria provided, single submitter. Criteria: Invitae Variant Classification Sherloc (09022015). Collection method: clinical testing. Allele origin: germline.

Blueprint Genetics
Classification: Likely benign. Last evaluated: 2024-08-27. Review status: criteria provided, single submitter. Criteria: ACMG Guidelines, 2015. Collection method: clinical testing. Allele origin: germline.

Women's Health and Genetics/Laboratory Corporation of America, LabCorp
Classification: Likely benign. Last evaluated: 2022-12-25. Review status: criteria provided, single submitter. Criteria: LabCorp Variant Classification Summary - May 2015. Collection method: clinical testing. Allele origin: germline.

GeneDx
Classification: Likely benign. Last evaluated: 2020-10-16. Review status: criteria provided, single submitter. Criteria: GeneDx Variant Classification Process June 2021. Collection method: clinical testing. Allele origin: germline. Affected: yes.

Ambry Genetics
Classification: Likely benign for Cardiovascular phenotype. Last evaluated: 2019-12-30. Review status: criteria provided, single submitter. Criteria: Ambry Variant Classification Scheme 2023. Collection method: clinical testing. Allele origin: germline.

Illumina Laboratory Services, Illumina
Classification: Uncertain significance for Noonan syndrome 4. Last evaluated: 2018-01-12. Review status: criteria provided, single submitter. Criteria: ICSL Variant Classification Criteria 13 December 2019. Collection method: clinical testing. Allele origin: germline.

Illumina Laboratory Services, Illumina
Classification: Uncertain significance for Fibromatosis, gingival, 1. Last evaluated: 2018-01-12. Review status: criteria provided, single submitter. Criteria: ICSL Variant Classification Criteria 13 December 2019. Collection method: clinical testing. Allele origin: germline.